The following is an entry in ClinVar:

ClinVar aggregate classification (germline): Uncertain significance. Review status: criteria provided, multiple submitters, no conflicts (2 of 4 stars). 2 submissions from 2 submitters: Uncertain significance (2). Last evaluated 2026-06-22.

Conditions:
BBS4-related disorder. Also called: BBS4-related condition.
Bardet-Biedl syndrome (BBS). Identifiers: Orphanet 110, MedGen C0752166, MONDO:0015229.

Allele frequency attached by ClinVar (database versions not stated): TOPMed 0.00002; ESP Exome Variant Server 0.00008; ExAC 0.00001; gnomAD exomes 0.00001.
gnomAD v4.1: 3 of 1,612,134 alleles (0.00019%); highest among the groups gnomAD compares: African/African-American, 0.004%; no homozygotes.

Submissions (2):

PreventionGenetics, part of Exact Sciences
Classification: Uncertain significance for BBS4-related condition. Last evaluated: 2026-06-22. Review status: criteria provided, single submitter. Criteria: ACMG Guidelines, 2015. Collection method: clinical testing. Allele origin: germline.
Comment: The BBS4 c.595C>T variant is predicted to result in the amino acid substitution p.Pro199Ser. To our knowledge, this variant has not been reported in the literature. This variant is reported in 0.012% of alleles in individuals of African descent in gnomAD. At this time, the clinical significance of this variant is uncertain due to the absence of conclusive functional and genetic evidence.

Labcorp Genetics (formerly Invitae), Labcorp
Classification: Uncertain significance for Bardet-Biedl syndrome. Last evaluated: 2025-08-21. Review status: criteria provided, single submitter. Criteria: Invitae Variant Classification Sherloc (09022015). Collection method: clinical testing. Allele origin: germline.
Comment: This sequence change replaces proline, which is neutral and non-polar, with serine, which is neutral and polar, at codon 199 of the BBS4 protein (p.Pro199Ser). This variant is present in population databases (rs371598044, gnomAD 0.01%). This variant has not been reported in the literature in individuals affected with BBS4-related conditions. ClinVar contains an entry for this variant (Variation ID: 1445475). Invitae Evidence Modeling of protein sequence and biophysical properties (such as structural, functional, and spatial information, amino acid conservation, physicochemical variation, residue mobility, and thermodynamic stability) indicates that this missense variant is not expected to disrupt BBS4 protein function with a negative predictive value of 80%. In summary, the available evidence is currently insufficient to determine the role of this variant in disease. Therefore, it has been classified as a Variant of Uncertain Significance.

NM_033028.5(BBS4):c.595C>T (p.Pro199Ser)

Gene: BBS4 (Bardet-Biedl syndrome 4; plus strand). Cytogenetic location: 15q24.1.
Variant type: single nucleotide variant.
Coding change: c.595C>T on transcript NM_033028.5 (MANE Select); coding-DNA position 595, C replaced by T.
Protein change: p.Pro199Ser; replaces proline 199 with serine.
Molecular consequence: missense variant. On other transcripts: non-coding transcript variant (2).
Genome position (GRCh38, 1-based): chr15:72,727,947, C>T. VCF-style: chr15-72727947-C-T. GRCh37 (hg19) VCF-style: chr15-73020288-C-T.
Other names: c.79C>T, p.Pro27Ser (NM_001252678.2); c.595C>T, p.Pro199Ser (NM_001320665.2); c.595C>T (NM_033028.4); short protein forms P199S, P27S.
Identifiers: ClinVar variation 1445475 (VCV001445475.5), dbSNP rs371598044, ClinGen allele CA7646691.